The following is an entry in ClinVar:

ClinVar aggregate classification (germline): Uncertain significance. Review status: criteria provided, multiple submitters, no conflicts (2 of 4 stars). 2 submissions from 2 submitters: Uncertain significance (2). Last evaluated 2025-09-01.

Conditions:
Inborn genetic diseases. Identifiers: MedGen C0950123, MeSH D030342.

Allele frequency attached by ClinVar (database versions not stated): TOPMed 0.00003; ExAC 0.00009; ESP Exome Variant Server 0.00010.
gnomAD v4.1: 1 of 1,162,574 alleles (0.000086%); highest among the groups gnomAD compares: African/African-American, 0.0018%; no homozygotes.

Submissions (2):

Ambry Genetics
Classification: Uncertain significance for Inborn genetic diseases. Last evaluated: 2025-09-01. Review status: criteria provided, single submitter. Criteria: Ambry Variant Classification Scheme 2023. Collection method: clinical testing. Allele origin: germline.

GeneDx
Classification: Uncertain significance. Last evaluated: 2023-12-18. Review status: criteria provided, single submitter. Criteria: GeneDx Variant Classification Process June 2021. Collection method: clinical testing. Allele origin: germline. Affected: yes.
Comment: Not observed at significant frequency in large population cohorts (gnomAD); In silico analysis supports that this missense variant does not alter protein structure/function; Has not been previously published as pathogenic or benign to our knowledge

NM_001136157.2(OTUD5):c.428G>C (p.Cys143Ser)

Gene: OTUD5 (OTU deubiquitinase 5; minus strand). Cytogenetic location: Xp11.23.
Variant type: single nucleotide variant.
Coding change: c.428G>C on transcript NM_001136157.2 (MANE Select); coding-DNA position 428, G replaced by C.
Protein change: p.Cys143Ser; replaces cysteine 143 with serine.
Molecular consequence: missense variant. On other transcripts: intron variant (1).
Genome position (GRCh38, 1-based): chrX:48,957,143, C>G on the plus strand (G>C on the coding strand, the complement: OTUD5 is on the minus strand). VCF-style: chrX-48957143-C-G. GRCh37 (hg19) VCF-style: chrX-48814405-C-G.
Other names: c.428G>C, p.Cys143Ser (NM_001136158.2, NM_017602.4); c.-58+1089G>C (NM_001136159.2); short protein forms C143S.
Identifiers: ClinVar variation 2313559 (VCV002313559.4), dbSNP rs368851872, ClinGen allele CA10406605.
Genomic context (GRCh38, chrX:48,957,143, plus strand): 5'-CCGCCAACCGCGCCAACCCCGGGAGCTTGACGTCGCCGCTTGCTGTGCCCAGGCCCGGAG[C>G]AGCAGCCGCCCACGCCTACGGCACCACCCACACCCACCACCACGCCCGCGGCACCCACAC-3'
Protein context (NP_001129629.1, residues 133-153): VGGAVGVGGC[Cys143Ser]SGPGHSKRRR